The following is an entry in ClinVar:

NM_020754.4(ARHGAP31):c.1004C>T (p.Ser335Leu)

Gene: ARHGAP31 (Rho GTPase activating protein 31; plus strand). Cytogenetic location: 3q13.33.
Variant type: single nucleotide variant.
Coding change: c.1004C>T on transcript NM_020754.4 (MANE Select); coding-DNA position 1004, C replaced by T.
Protein change: p.Ser335Leu; replaces serine 335 with leucine.
Molecular consequence: missense variant.
Genome position (GRCh38, 1-based): chr3:119,393,589, C>T. VCF-style: chr3-119393589-C-T. GRCh37 (hg19) VCF-style: chr3-119112436-C-T.
Other names: short protein forms S335L.
Identifiers: ClinVar variation 3357875 (VCV003357875.3).

ClinVar aggregate classification (germline): Uncertain significance. Review status: criteria provided, single submitter (1 of 4 stars). 2 submissions from 2 submitters: Uncertain significance (1). 1 of the submissions does not count toward it. Last evaluated 2024-04-29.

Conditions:
ARHGAP31-related disorder. Also called: ARHGAP31-related condition.

gnomAD v4.1: 7 of 1,613,986 alleles (0.00043%); highest among the groups gnomAD compares: Admixed American, 0.0033%; no homozygotes.

Submissions (2):

Labcorp Genetics (formerly Invitae), Labcorp
Classification: Uncertain significance. Last evaluated: 2024-04-29. Review status: criteria provided, single submitter. Criteria: Invitae Variant Classification Sherloc (09022015). Collection method: clinical testing. Allele origin: germline.
Comment: This sequence change replaces serine, which is neutral and polar, with leucine, which is neutral and non-polar, at codon 335 of the ARHGAP31 protein (p.Ser335Leu). This variant is present in population databases (rs759269524, gnomAD 0.01%). This variant has not been reported in the literature in individuals affected with ARHGAP31-related conditions. An algorithm developed to predict the effect of missense changes on protein structure and function (PolyPhen-2) suggests that this variant is likely to be tolerated. In summary, the available evidence is currently insufficient to determine the role of this variant in disease. Therefore, it has been classified as a Variant of Uncertain Significance.

PreventionGenetics, part of Exact Sciences
Classification: Uncertain significance for ARHGAP31-related condition. Last evaluated: 2024-07-02. Review status: no assertion criteria provided. Collection method: clinical testing. Allele origin: germline. Not counted in ClinVar's aggregate classification.
Comment: The ARHGAP31 c.1004C>T variant is predicted to result in the amino acid substitution p.Ser335Leu. To our knowledge, this variant has not been reported in the literature. This variant is reported in 0.0099% of alleles in individuals of Ashkenazi Jewish descent in gnomAD. At this time, the clinical significance of this variant is uncertain due to the absence of conclusive functional and genetic evidence.